The following is an entry in ClinVar:

ClinVar aggregate classification (germline): Uncertain significance (1 of 4 stars; one submission).

Conditions:
Inborn genetic diseases. Identifiers: MedGen C0950123, MeSH D030342.

Allele frequency attached by ClinVar (database versions not stated): gnomAD exomes below 0.00001.

Submission:

Ambry Genetics
Classification: Uncertain significance for Inborn genetic diseases. Last evaluated: 2023-05-25. Review status: criteria provided, single submitter. Criteria: Ambry Variant Classification Scheme 2023. Collection method: clinical testing. Allele origin: germline.
Comment: The p.I1505K variant (also known as c.4514T>A), located in coding exon 31 of the LRRK2 gene, results from a T to A substitution at nucleotide position 4514. The isoleucine at codon 1505 is replaced by lysine, an amino acid with dissimilar properties. This amino acid position is conserved. In addition, the in silico prediction for this alteration is inconclusive. Since supporting evidence is limited at this time, the clinical significance of this alteration remains unclear.

NM_198578.4(LRRK2):c.4514T>A (p.Ile1505Lys)

Gene: LRRK2 (leucine rich repeat kinase 2; plus strand). Cytogenetic location: 12q12.
Variant type: single nucleotide variant.
Coding change: c.4514T>A on transcript NM_198578.4 (MANE Select); coding-DNA position 4514, T replaced by A.
Protein change: p.Ile1505Lys; replaces isoleucine 1505 with lysine.
Molecular consequence: missense variant.
Genome position (GRCh38, 1-based): chr12:40,310,627, T>A. VCF-style: chr12-40310627-T-A. GRCh37 (hg19) VCF-style: chr12-40704429-T-A.
Other names: short protein forms I1505K.
Identifiers: ClinVar variation 2567418 (VCV002567418.2), dbSNP rs2499828479, ClinGen allele CA384418666.